The following is an entry in ClinVar:

ClinVar aggregate classification (germline): Likely benign (1 of 4 stars; one submission).

Allele frequency attached by ClinVar (database versions not stated): 1000 Genomes Project 30x 0.00078; 1000 Genomes Project 0.00100; ESP Exome Variant Server 0.00231; gnomAD 0.00252; TOPMed 0.00267; ExAC 0.00293.
gnomAD v4.1: 5,616 of 1,582,456 alleles (0.35%); highest among the groups gnomAD compares: Middle Eastern, 1.3%; 16 homozygotes.

Submission:

CeGaT Center for Human Genetics Tuebingen
Classification: Likely benign. Last evaluated: 2023-01-01. Review status: criteria provided, single submitter. Criteria: CeGaT Center For Human Genetics Tuebingen Variant Classification Criteria Version 2. Collection method: clinical testing. Allele origin: germline. Affected: yes. Observed: 1 variant allele.
Comment: CCDC102B: BP4, BP7, BS2

NM_024781.3(CCDC102B):c.870G>A (p.Ser290=)

Gene: CCDC102B (coiled-coil domain containing 102B; plus strand). Cytogenetic location: 18q22.1.
Variant type: single nucleotide variant.
Coding change: c.870G>A on transcript NM_024781.3 (MANE Select); coding-DNA position 870, G replaced by A.
Protein change: p.Ser290=; no amino-acid change (serine 290 retained).
Molecular consequence: synonymous variant.
Genome position (GRCh38, 1-based): chr18:68,846,355, G>A. VCF-style: chr18-68846355-G-A. GRCh37 (hg19) VCF-style: chr18-66513592-G-A.
Other names: c.870G>A, p.Ser290= (NM_001093729.2).
Identifiers: ClinVar variation 2648799 (VCV002648799.24), dbSNP rs147849810, ClinGen allele CA8993705.